The following is an entry in ClinVar:

NM_007209.4(RPL35):c.172C>G (p.Leu58Val)

Gene: RPL35 (ribosomal protein L35; minus strand). Cytogenetic location: 9q33.3.
Variant type: single nucleotide variant.
Coding change: c.172C>G on transcript NM_007209.4 (MANE Select); coding-DNA position 172, C replaced by G.
Protein change: p.Leu58Val; replaces leucine 58 with valine.
Molecular consequence: missense variant.
Genome position (GRCh38, 1-based): chr9:124,860,233, G>C on the plus strand (C>G on the coding strand, the complement: RPL35 is on the minus strand). VCF-style: chr9-124860233-G-C. GRCh37 (hg19) VCF-style: chr9-127622512-G-C.
Other names: short protein forms L58V.
Identifiers: ClinVar variation 2892069 (VCV002892069.3), dbSNP rs771414251, ClinGen allele CA5237239.

ClinVar aggregate classification (germline): Uncertain significance (1 of 4 stars; one submission).

Allele frequency attached by ClinVar (database versions not stated): TOPMed 0.00002; gnomAD exomes 0.00001; ExAC 0.00001; gnomAD 0.00001.
gnomAD v4.1: 29 of 1,614,008 alleles (0.0018%); highest among the groups gnomAD compares: East Asian, 0.0022%; no homozygotes.

Submission:

Labcorp Genetics (formerly Invitae), Labcorp
Classification: Uncertain significance. Last evaluated: 2025-04-15. Review status: criteria provided, single submitter. Criteria: Invitae Variant Classification Sherloc (09022015). Collection method: clinical testing. Allele origin: germline.
Comment: This sequence change replaces leucine, which is neutral and non-polar, with valine, which is neutral and non-polar, at codon 58 of the RPL35 protein (p.Leu58Val). This variant is present in population databases (rs771414251, gnomAD 0.06%). This variant has not been reported in the literature in individuals affected with RPL35-related conditions. ClinVar contains an entry for this variant (Variation ID: 2892069). An algorithm developed to predict the effect of missense changes on protein structure and function (PolyPhen-2) suggests that this variant is likely to be disruptive. In summary, the available evidence is currently insufficient to determine the role of this variant in disease. Therefore, it has been classified as a Variant of Uncertain Significance.